The following is an entry in ClinVar:

ClinVar aggregate classification (germline): Conflicting classifications of pathogenicity. Review status: criteria provided, conflicting classifications (1 of 4 stars). 4 submissions from 4 submitters: Uncertain significance (2); Likely benign (2). Last evaluated 2026-01-30.

Conditions:
Hereditary breast ovarian cancer syndrome. Also called: Breast and ovarian cancer; BRCA1- and BRCA2-Associated Hereditary Breast and Ovarian Cancer; Hereditary breast and ovarian cancer; Hereditary breast and/or ovarian cancer syndrome; Hereditary breast and ovarian cancer syndrome; Hereditary breast and ovarian cancer syndrome (HBOC). Identifiers: Orphanet 145, MedGen C0677776, MeSH D061325, MONDO:0003582. Disease mechanism: loss of function.
Hereditary cancer-predisposing syndrome. Also called: Neoplastic Syndromes, Hereditary; Tumor predisposition; Hereditary neoplastic syndrome; Hereditary Cancer Syndrome. Identifiers: Orphanet 140162, MedGen C0027672, MeSH D009386, MONDO:0015356.

Allele frequency attached by ClinVar (database versions not stated): TOPMed below 0.00001; ExAC 0.00001; gnomAD exomes below 0.00001.
gnomAD v4.1: 6 of 1,604,480 alleles (0.00037%); highest among the groups gnomAD compares: Non-Finnish European, 0.00051%; no homozygotes.

Submissions (4):

Ambry Genetics
Classification: Likely benign for Hereditary cancer-predisposing syndrome. Last evaluated: 2026-01-30. Review status: criteria provided, single submitter. Criteria: Ambry Variant Classification Scheme 2023. Collection method: clinical testing. Allele origin: germline.

Labcorp Genetics (formerly Invitae), Labcorp
Classification: Uncertain significance for Hereditary breast ovarian cancer syndrome. Last evaluated: 2025-11-17. Review status: criteria provided, single submitter. Criteria: Invitae Variant Classification Sherloc (09022015). Collection method: clinical testing. Allele origin: germline.
Comment: This sequence change replaces serine, which is neutral and polar, with phenylalanine, which is neutral and non-polar, at codon 658 of the BRCA2 protein (p.Ser658Phe). This variant is present in population databases (rs775060172, gnomAD 0.0009%). This variant has not been reported in the literature in individuals affected with BRCA2-related conditions. ClinVar contains an entry for this variant (Variation ID: 409446). Invitae Evidence Modeling of protein sequence and biophysical properties (such as structural, functional, and spatial information, amino acid conservation, physicochemical variation, residue mobility, and thermodynamic stability) indicates that this missense variant is not expected to disrupt BRCA2 protein function with a negative predictive value of 95%. In summary, the available evidence is currently insufficient to determine the role of this variant in disease. Therefore, it has been classified as a Variant of Uncertain Significance.

University of Washington Department of Laboratory Medicine, University of Washington
Classification: Likely benign for Hereditary cancer-predisposing syndrome. Last evaluated: 2023-03-23. Review status: criteria provided, single submitter. Criteria: Dines et al. (Genet Med. 2020). Collection method: curation. Allele origin: germline.
Comment: Missense variant in a coldspot region where missense variants are very unlikely to be pathogenic (PMID:31911673).

BRCA2 exon 11 coldspot. Reclassification based on statistical prior probability.

Color Diagnostics, LLC DBA Color Health
Classification: Uncertain significance for Hereditary cancer-predisposing syndrome. Last evaluated: 2019-06-04. Review status: criteria provided, single submitter. Criteria: ACMG Guidelines, 2015. Collection method: clinical testing. Allele origin: germline.

NM_000059.4(BRCA2):c.1973C>T (p.Ser658Phe)

Gene: BRCA2 (BRCA2 DNA repair associated; plus strand). Cytogenetic location: 13q13.1.
Variant type: single nucleotide variant.
Coding change: c.1973C>T on transcript NM_000059.4 (MANE Select); coding-DNA position 1973, C replaced by T.
Protein change: p.Ser658Phe; replaces serine 658 with phenylalanine.
Molecular consequence: missense variant.
Genome position (GRCh38, 1-based): chr13:32,336,328, C>T. VCF-style: chr13-32336328-C-T. GRCh37 (hg19) VCF-style: chr13-32910465-C-T.
Other names: short protein forms S658F.
Identifiers: ClinVar variation 409446 (VCV000409446.13), dbSNP rs775060172, ClinGen allele CA6940570.
Genomic context (GRCh38, chr13:32,336,328, plus strand): 5'-TATTGCATTCTTCTGTGAAAAGAAGCTGTTCACAGAATGATTCTGAAGAACCAACTTTGT[C>T]CTTAACTAGCTCTTTTGGGACAATTCTGAGGAAATGTTCTAGAAATGAAACATGTTCTAA-3'
Protein context (NP_000050.3, residues 648-668): SQNDSEEPTL[Ser658Phe]LTSSFGTILR